The following is an entry in ClinVar:

NM_000426.4(LAMA2):c.6139del (p.Thr2047fs)

Genes: LAMA2 (laminin subunit alpha 2; plus strand), LOC123864065 (Sharpr-MPRA regulatory region 661; plus strand). Cytogenetic location: 6q22.33.
Variant type: Deletion.
Coding change: c.6139del on transcript NM_000426.4 (MANE Select); coding-DNA position 6139, one base deleted (A; older notation c.6139delA).
Protein change: p.Thr2047fs; shifts the reading frame from threonine 2047.
Molecular consequence: frameshift variant.
Genome position (GRCh38, 1-based): chr6:129,440,869, A deleted. VCF-style (leftmost placement, unchanged base first): chr6-129440868-CA-C. GRCh37 (hg19) VCF-style: chr6-129762013-CA-C.
Other names: c.6139del, p.Thr2047fs (NM_001079823.2); short protein forms T2047fs.
Identifiers: ClinVar variation 5016326 (VCV005016326.1).

ClinVar aggregate classification (germline): Pathogenic (1 of 4 stars; one submission).

Conditions:
LAMA2-related muscular dystrophy (LAMA2-RD). Also called: Laminin alpha 2-related dystrophy. Identifiers: MedGen C5679788, MONDO:0100228.

Submission:

Myriad Genetics, Inc.
Classification: Pathogenic for LAMA2-related muscular dystrophy. Last evaluated: 2026-09-09. Review status: criteria provided, single submitter. Criteria: Myriad Autosomal Dominant, Autosomal Recessive and X-Linked Classification Criteria (2023). Collection method: clinical testing. Allele origin: unknown.
Comment: NM_000426.3(LAMA2):c.6139delA(T2047Qfs*19) is expected to be pathogenic in the context of muscular dystrophy, LAMA2-related. This variant is predicted to lead to an abnormal or absent protein product due to the creation of a premature termination codon in LAMA2, a gene where loss-of-function variants are known to be pathogenic. Please note: this variant was assessed in the context of healthy population screening.